The following is an entry in ClinVar:

NM_012330.4(KAT6B):c.1073G>A (p.Ser358Asn)

Gene: KAT6B (lysine acetyltransferase 6B; plus strand). Cytogenetic location: 10q22.2.
Variant type: single nucleotide variant.
Coding change: c.1073G>A on transcript NM_012330.4 (MANE Select); coding-DNA position 1073, G replaced by A.
Protein change: p.Ser358Asn; replaces serine 358 with asparagine.
Molecular consequence: missense variant. On other transcripts: intron variant (5).
Genome position (GRCh38, 1-based): chr10:74,975,410, G>A. VCF-style: chr10-74975410-G-A. GRCh37 (hg19) VCF-style: chr10-76735168-G-A.
Other names: c.1073G>A, p.Ser358Asn (NM_001256468.2, NM_001256469.2, NM_001370132.1 and 7 more transcripts); c.846+5635G>A (NM_001370133.1); c.193-3814G>A (NM_001370134.1); c.929-1906G>A (NM_001370143.1, NM_001370144.1); c.193-13609G>A (NM_001370135.1); short protein forms S358N.
Identifiers: ClinVar variation 2146190 (VCV002146190.6), dbSNP rs1842087872, ClinGen allele CA377284400.

ClinVar aggregate classification (germline): Conflicting classifications of pathogenicity. Review status: criteria provided, conflicting classifications (1 of 4 stars). 2 submissions from 2 submitters: Uncertain significance (1); Likely benign (1). Last evaluated 2025-03-04.

Conditions:
Genitopatellar syndrome (GTPTS). Also called: ABSENT PATELLAE, SCROTAL HYPOPLASIA, RENAL ANOMALIES, FACIAL DYSMORPHISM, AND MENTAL RETARDATION; Genitopatellar syndrome (GPS). Identifiers: Orphanet 85201, MedGen C1853566, MONDO:0011640, OMIM 606170.

Allele frequency attached by ClinVar (database versions not stated): TOPMed below 0.00001; gnomAD exomes below 0.00001.
gnomAD v4.1: 1 of 1,614,050 alleles (0.000062%); highest among the groups gnomAD compares: Admixed American, 0.0017%; no homozygotes.

Submissions (2):

Dasa
Classification: Uncertain significance. Last evaluated: 2025-03-04. Review status: criteria provided, single submitter. Criteria: DASA Assertion Criteria. Collection method: clinical testing. Allele origin: germline.
Comment: NM_012330.4(KAT6B):c.1073G>A (p.Ser358Asn) is a missense variant that results in the substitution of serine with asparagine. This variant is rare in population databases. Computational prediction algorithms are consistent with a benign effect. The currently available literature and clinical evidence are not sufficient to establish a definitive association between this variant and the reported condition. Therefore, this variant is classified as a variant of uncertain significance.

Labcorp Genetics (formerly Invitae), Labcorp
Classification: Likely benign for Genitopatellar syndrome. Last evaluated: 2024-04-22. Review status: criteria provided, single submitter. Criteria: Invitae Variant Classification Sherloc (09022015). Collection method: clinical testing. Allele origin: germline.